The following is an entry in ClinVar:

NM_002880.4(RAF1):c.1891A>G (p.Thr631Ala)

Gene: RAF1 (Raf-1 proto-oncogene, serine/threonine kinase; minus strand). Cytogenetic location: 3p25.2.
Variant type: single nucleotide variant.
Coding change: c.1891A>G on transcript NM_002880.4 (MANE Select); coding-DNA position 1891, A replaced by G.
Protein change: p.Thr631Ala; replaces threonine 631 with alanine.
Molecular consequence: missense variant. On other transcripts: non-coding transcript variant (3).
Genome position (GRCh38, 1-based): chr3:12,584,570, T>C on the plus strand (A>G on the coding strand, the complement: RAF1 is on the minus strand). VCF-style: chr3-12584570-T-C. GRCh37 (hg19) VCF-style: chr3-12626069-T-C.
Other names: c.1951A>G, p.Thr651Ala (NM_001354689.3); c.1891A>G, p.Thr631Ala (NM_001354690.3); c.1648A>G, p.Thr550Ala (NM_001354691.3, NM_001354692.3); c.1792A>G, p.Thr598Ala (NM_001354693.3); c.1708A>G, p.Thr570Ala (NM_001354694.3); c.1549A>G, p.Thr517Ala (NM_001354695.3); short protein forms T631A, T651A, T517A, T570A, T598A, T550A.
Identifiers: ClinVar variation 2892459 (VCV002892459.3), dbSNP rs1183057432, ClinGen allele CA351495713.

ClinVar aggregate classification (germline): Uncertain significance (1 of 4 stars; one submission).

Conditions:
RASopathy. Also called: Noonan spectrum disorder; rasopathies. Identifiers: Orphanet 536391, MedGen C5555857, MONDO:0021060.

Allele frequency attached by ClinVar (database versions not stated): gnomAD exomes 0.00001.
gnomAD v4.1: 3 of 1,614,128 alleles (0.00019%); highest among the groups gnomAD compares: Non-Finnish European, 0.00025%; no homozygotes.

Submission:

Labcorp Genetics (formerly Invitae), Labcorp
Classification: Uncertain significance for RASopathy. Last evaluated: 2022-12-07. Review status: criteria provided, single submitter. Criteria: Invitae Variant Classification Sherloc (09022015). Collection method: clinical testing. Allele origin: germline.
Comment: Advanced modeling of protein sequence and biophysical properties (such as structural, functional, and spatial information, amino acid conservation, physicochemical variation, residue mobility, and thermodynamic stability) performed at Invitae indicates that this missense variant is not expected to disrupt RAF1 protein function. In summary, the available evidence is currently insufficient to determine the role of this variant in disease. Therefore, it has been classified as a Variant of Uncertain Significance. This variant is present in population databases (no rsID available, gnomAD 0.0009%). This variant has not been reported in the literature in individuals affected with RAF1-related conditions. This sequence change replaces threonine, which is neutral and polar, with alanine, which is neutral and non-polar, at codon 631 of the RAF1 protein (p.Thr631Ala).